The following is an entry in ClinVar:

NM_000642.3(AGL):c.3259+26A>G

Gene: AGL (amylo-alpha-1,6-glucosidase and 4-alpha-glucanotransferase; plus strand). Cytogenetic location: 1p21.2.
Variant type: single nucleotide variant.
Coding change: c.3259+26A>G on transcript NM_000642.3 (MANE Select); 26 bases into the intron after coding-DNA position 3259, A replaced by G.
Molecular consequence: intron variant.
Genome position (GRCh38, 1-based): chr1:99,892,633, A>G. VCF-style: chr1-99892633-A-G. GRCh37 (hg19) VCF-style: chr1-100358189-A-G.
Other names: p.?; c.3259+26A>G (NM_000643.3, NM_000644.3, NM_001425325.1 and 1 more transcripts); c.3211+26A>G (NM_000646.3); c.3238+26A>G (NM_001425326.1); c.3058+26A>G (NM_001425327.1); c.3055+26A>G (NM_001425328.1); c.2920+26A>G (NM_001425329.1); c.2881+26A>G (NM_001425332.1).
Identifiers: ClinVar variation 1216668 (VCV001216668.6), dbSNP rs12073608, ClinGen allele CA967014.

ClinVar aggregate classification (germline): Benign/Likely benign. Review status: criteria provided, multiple submitters, no conflicts (2 of 4 stars). 3 submissions from 3 submitters: Benign (1); Likely benign (1). 1 of the submissions does not count toward it. Last evaluated 2023-04-17.

Conditions:
AGL-related disorder. Also called: AGL-related condition.

Allele frequency attached by ClinVar (database versions not stated): gnomAD exomes 0.00038 and 0.00106; gnomAD 0.00399 and 0.00370; TOPMed 0.00442; 1000 Genomes Project 30x 0.00531; ExAC 0.00125; 1000 Genomes Project 0.00419; ESP Exome Variant Server 0.00469.
gnomAD v4.1: 1,145 of 1,606,868 alleles (0.071%); highest among the groups gnomAD compares: African/African-American, 1.4%; 10 homozygotes.

Submissions (3):

Mayo Clinic Laboratories, Mayo Clinic
Classification: Benign. Last evaluated: 2023-04-17. Review status: criteria provided, single submitter. Criteria: ACMG Guidelines, 2015. Collection method: clinical testing. Allele origin: germline. Observed: 3 variant alleles.
Comment: BS1, BS2, BP4, BP7

GeneDx
Classification: Likely benign. Last evaluated: 2018-10-02. Review status: criteria provided, single submitter. Criteria: GeneDx Variant Classification Process June 2021. Collection method: clinical testing. Allele origin: germline. Affected: yes.

PreventionGenetics, part of Exact Sciences
Classification: Benign for AGL-related condition. Last evaluated: 2020-09-28. Review status: no assertion criteria provided. Collection method: clinical testing. Allele origin: germline. Not counted in ClinVar's aggregate classification.
Comment: This variant is classified as benign based on ACMG/AMP sequence variant interpretation guidelines (Richards et al. 2015 PMID: 25741868, with internal and published modifications).